The following is an entry in ClinVar:

ClinVar aggregate classification (germline): Uncertain significance (1 of 4 stars; one submission).

Submission:

Labcorp Genetics (formerly Invitae), Labcorp
Classification: Uncertain significance. Last evaluated: 2025-03-06. Review status: criteria provided, single submitter. Criteria: Invitae Variant Classification Sherloc (09022015). Collection method: clinical testing. Allele origin: germline.
Comment: This sequence change replaces leucine, which is neutral and non-polar, with tryptophan, which is neutral and slightly polar, at codon 233 of the SRCAP protein (p.Leu233Trp). This variant is not present in population databases (gnomAD no frequency). This variant has not been reported in the literature in individuals affected with SRCAP-related conditions. Invitae Evidence Modeling of protein sequence and biophysical properties (such as structural, functional, and spatial information, amino acid conservation, physicochemical variation, residue mobility, and thermodynamic stability) indicates that this missense variant is not expected to disrupt SRCAP protein function with a negative predictive value of 80%. In summary, the available evidence is currently insufficient to determine the role of this variant in disease. Therefore, it has been classified as a Variant of Uncertain Significance.

NM_006662.3(SRCAP):c.698T>G (p.Leu233Trp)

Gene: SRCAP (Snf2 related CREBBP activator protein; plus strand). Cytogenetic location: 16p11.2.
Variant type: single nucleotide variant.
Coding change: c.698T>G on transcript NM_006662.3 (MANE Select); coding-DNA position 698, T replaced by G.
Protein change: p.Leu233Trp; replaces leucine 233 with tryptophan.
Molecular consequence: missense variant.
Genome position (GRCh38, 1-based): chr16:30,709,577, T>G. VCF-style: chr16-30709577-T-G. GRCh37 (hg19) VCF-style: chr16-30720898-T-G.
Other names: short protein forms L233W.
Identifiers: ClinVar variation 4741192 (VCV004741192.1).